The following is an entry in ClinVar:

NM_001039213.4(CEACAM16):c.577C>T (p.Arg193Trp)

Genes: CEACAM16 (CEA cell adhesion molecule 16, tectorial membrane component; plus strand), CEACAM16-AS1 (CEACAM16, CEACAM19 and PVR antisense RNA 1; minus strand). Cytogenetic location: 19q13.32.
Variant type: single nucleotide variant.
Coding change: c.577C>T on transcript NM_001039213.4 (MANE Select); coding-DNA position 577, C replaced by T.
Protein change: p.Arg193Trp; replaces arginine 193 with tryptophan.
Molecular consequence: missense variant.
Genome position (GRCh38, 1-based): chr19:44,704,212, C>T. VCF-style: chr19-44704212-C-T. GRCh37 (hg19) VCF-style: chr19-45207482-C-T.
Other names: c.577C>T (NM_001039213.2); short protein forms R193W.
Identifiers: ClinVar variation 2499804 (VCV002499804.7), dbSNP rs376638197, ClinGen allele CA9503100.

ClinVar aggregate classification (germline): Uncertain significance. Review status: criteria provided, multiple submitters, no conflicts (2 of 4 stars). 4 submissions from 4 submitters: Uncertain significance (4). Last evaluated 2026-07-22.

Conditions:
CEACAM16-related disorder. Also called: CEACAM16-related condition.
Inborn genetic diseases. Identifiers: MedGen C0950123, MeSH D030342.

Allele frequency attached by ClinVar (database versions not stated): gnomAD 0.00007; ESP Exome Variant Server 0.00008; ExAC 0.00010.

Submissions (4):

GeneDx
Classification: Uncertain significance. Last evaluated: 2026-07-22. Review status: criteria provided, single submitter. Criteria: GeneDx Variant Classification Process June 2021. Collection method: clinical testing. Allele origin: germline.
Comment: In silico analysis supports that this missense variant has a deleterious effect on protein structure/function; Has not been previously published as pathogenic or benign to our knowledge

Labcorp Genetics (formerly Invitae), Labcorp
Classification: Uncertain significance. Last evaluated: 2025-07-03. Review status: criteria provided, single submitter. Criteria: Invitae Variant Classification Sherloc (09022015). Collection method: clinical testing. Allele origin: germline.
Comment: This sequence change replaces arginine, which is basic and polar, with tryptophan, which is neutral and slightly polar, at codon 193 of the CEACAM16 protein (p.Arg193Trp). This variant is present in population databases (rs376638197, gnomAD 0.009%). This variant has not been reported in the literature in individuals affected with CEACAM16-related conditions. ClinVar contains an entry for this variant (Variation ID: 2499804). Invitae Evidence Modeling of protein sequence and biophysical properties (such as structural, functional, and spatial information, amino acid conservation, physicochemical variation, residue mobility, and thermodynamic stability) indicates that this missense variant is not expected to disrupt CEACAM16 protein function with a negative predictive value of 80%. In summary, the available evidence is currently insufficient to determine the role of this variant in disease. Therefore, it has been classified as a Variant of Uncertain Significance.

PreventionGenetics, part of Exact Sciences
Classification: Uncertain significance for CEACAM16-related condition. Last evaluated: 2025-02-14. Review status: criteria provided, single submitter. Criteria: ACMG Guidelines, 2015. Collection method: clinical testing. Allele origin: germline.
Comment: The CEACAM16 c.577C>T variant is predicted to result in the amino acid substitution p.Arg193Trp. To our knowledge, this variant has not been reported in the literature. This variant is reported in 0.0087% of alleles in individuals of South Asian descent in gnomAD. At this time, the clinical significance of this variant is uncertain due to the absence of conclusive functional and genetic evidence.

Ambry Genetics
Classification: Uncertain significance for Inborn genetic diseases. Last evaluated: 2024-05-09. Review status: criteria provided, single submitter. Criteria: Ambry Variant Classification Scheme 2023. Collection method: clinical testing. Allele origin: germline.